The following is an entry in ClinVar:

NM_030665.4(RAI1):c.5211G>C (p.Glu1737Asp)

Gene: RAI1 (retinoic acid induced 1; plus strand). Cytogenetic location: 17p11.2.
Variant type: single nucleotide variant.
Coding change: c.5211G>C on transcript NM_030665.4 (MANE Select); coding-DNA position 5211, G replaced by C.
Protein change: p.Glu1737Asp; replaces glutamic acid 1737 with aspartic acid.
Molecular consequence: missense variant.
Genome position (GRCh38, 1-based): chr17:17,798,159, G>C. VCF-style: chr17-17798159-G-C. GRCh37 (hg19) VCF-style: chr17-17701473-G-C.
Other names: short protein forms E1737D.
Identifiers: ClinVar variation 4766058 (VCV004766058.1).
Genomic context (GRCh38, chr17:17,798,159, plus strand): 5'-AAAACTCAAGGAGAAGGTGCGGCCAGAAGGCACCTGTGAGGAGGCCTCGCTGCCGCTTGA[G>C]AGAACACTCAAAGGTCCCGAGTGTGCAGCTGCCGCCACTGCCGGGAAGCCCCCCAGGCCT-3'
Protein context (NP_109590.3, residues 1727-1747): GTCEEASLPL[Glu1737Asp]RTLKGPECAA

ClinVar aggregate classification (germline): Uncertain significance (1 of 4 stars; one submission).

gnomAD v4.1: 1 of 1,613,306 alleles (0.000062%); highest among the groups gnomAD compares: Non-Finnish European, 0.000085%; no homozygotes.

Submission:

Labcorp Genetics (formerly Invitae), Labcorp
Classification: Uncertain significance. Last evaluated: 2025-11-17. Review status: criteria provided, single submitter. Criteria: Invitae Variant Classification Sherloc (09022015). Collection method: clinical testing. Allele origin: germline.
Comment: This sequence change replaces glutamic acid, which is acidic and polar, with aspartic acid, which is acidic and polar, at codon 1737 of the RAI1 protein (p.Glu1737Asp). This variant is present in population databases (no rsID available, gnomAD 0.007%). This variant has not been reported in the literature in individuals affected with RAI1-related conditions. Invitae Evidence Modeling of protein sequence and biophysical properties (such as structural, functional, and spatial information, amino acid conservation, physicochemical variation, residue mobility, and thermodynamic stability) indicates that this missense variant is not expected to disrupt RAI1 protein function with a negative predictive value of 80%. In summary, the available evidence is currently insufficient to determine the role of this variant in disease. Therefore, it has been classified as a Variant of Uncertain Significance.